The following is an entry in ClinVar:

NM_207421.4(PADI6):c.1572C>T (p.Asp524=)

Gene: PADI6 (peptidyl arginine deiminase 6; plus strand). Cytogenetic location: 1p36.13.
Variant type: single nucleotide variant.
Coding change: c.1572C>T on transcript NM_207421.4 (MANE Select); coding-DNA position 1572, C replaced by T.
Protein change: p.Asp524=; no amino-acid change (aspartic acid 524 retained).
Molecular consequence: synonymous variant.
Genome position (GRCh38, 1-based): chr1:17,395,617, C>T. VCF-style: chr1-17395617-C-T. GRCh37 (hg19) VCF-style: chr1-17722113-C-T.
Identifiers: ClinVar variation 3047296 (VCV003047296.2), dbSNP rs2477149, ClinGen allele CA641803.
Genomic context (GRCh38, chr1:17,395,617, plus strand): 5'-GGCCAGCCCCAGTGCCTGCTATAAACTGTTCCGAGAGAAACAGAAGGAAGGCTATGGCGA[C>T]GCTCTTCTGTTTGATGAGCTTAGAGCAGATCAGCTCCTGTCTAATGGTAAGGGAACTCCC-3'
Protein context (NP_997304.3, residues 514-534): FREKQKEGYG[Asp524=]ALLFDELRAD

ClinVar aggregate classification (germline): Likely benign (0 of 4 stars; one submission).

Conditions:
PADI6-related disorder. Also called: PADI6-related condition.

Allele frequency attached by ClinVar (database versions not stated): gnomAD exomes 0.00017; ExAC 0.00033; 1000 Genomes Project 0.00040; 1000 Genomes Project 30x 0.00047; ESP Exome Variant Server 0.00056; gnomAD 0.00065; TOPMed 0.00068.
gnomAD v4.1: 359 of 1,608,164 alleles (0.022%); highest among the groups gnomAD compares: African/African-American, 0.22%; no homozygotes.

Submission:

PreventionGenetics, part of Exact Sciences
Classification: Likely benign for PADI6-related condition. Last evaluated: 2021-04-27. Review status: no assertion criteria provided. Collection method: clinical testing. Allele origin: germline.
Comment: This variant is classified as likely benign based on ACMG/AMP sequence variant interpretation guidelines (Richards et al. 2015 PMID: 25741868, with internal and published modifications).